The following is an entry in ClinVar:

NM_017561.2(NUTM2F):c.1544G>C (p.Arg515Pro)

Gene: NUTM2F (NUT family member 2F; minus strand). Cytogenetic location: 9q22.32.
Variant type: single nucleotide variant.
Coding change: c.1544G>C on transcript NM_017561.2 (MANE Select); coding-DNA position 1544, G replaced by C.
Protein change: p.Arg515Pro; replaces arginine 515 with proline.
Molecular consequence: missense variant.
Genome position (GRCh38, 1-based): chr9:94,319,192, C>G on the plus strand (G>C on the coding strand, the complement: NUTM2F is on the minus strand). VCF-style: chr9-94319192-C-G. GRCh37 (hg19) VCF-style: chr9-97081474-C-G.
Other names: short protein forms R515P.
Identifiers: ClinVar variation 3203366 (VCV003203366.2), dbSNP rs555822305, ClinGen allele CA5134730.

ClinVar aggregate classification (germline): Uncertain significance (1 of 4 stars; one submission).

Submission:

Ambry Genetics
Classification: Uncertain significance. Last evaluated: 2026-08-13. Review status: criteria provided, single submitter. Criteria: Ambry Variant Classification Scheme 2023. Collection method: clinical testing. Allele origin: germline.
Comment: The c.1544G>C (p.R515P) alteration is located in exon 7 (coding exon 7) of the NUTM2F gene. This alteration results from a G to C substitution at nucleotide position 1544, causing the arginine (R) at amino acid position 515 to be replaced by a proline (P). Based on data from gnomAD, the C allele has an overall frequency of 0.003% (3/100916) total alleles studied. The highest observed frequency was 0.02% (2/9824) of African alleles. Based on insufficient or conflicting evidence, the clinical significance of this alteration remains unclear.